The following is an entry in ClinVar:

NM_002299.4(LCT):c.5768C>A (p.Pro1923Gln)

Gene: LCT (lactase; minus strand). Cytogenetic location: 2q21.3.
Variant type: single nucleotide variant.
Coding change: c.5768C>A on transcript NM_002299.4 (MANE Select); coding-DNA position 5768, C replaced by A.
Protein change: p.Pro1923Gln; replaces proline 1923 with glutamine.
Molecular consequence: missense variant.
Genome position (GRCh38, 1-based): chr2:135,788,340, G>T on the plus strand (C>A on the coding strand, the complement: LCT is on the minus strand). VCF-style: chr2-135788340-G-T. GRCh37 (hg19) VCF-style: chr2-136545910-G-T.
Other names: c.5768C>A (LRG_338t1); short protein forms P1923Q.
Identifiers: ClinVar variation 331162 (VCV000331162.18), dbSNP rs114828879, ClinGen allele CA1887547.
Genomic context (GRCh38, chr2:135,788,340, plus strand): 5'-TGAAGAAACTAGGCCTGCTTCATAGAACTTGAGGTGGTAACTCATCAGAATGAAGACACC[G>T]GGCTCAATTCCTGTTGGCTTCGTTGTGTTTTCCCTTGCTTAGAGCGCTTGCAGTACTTGT-3'
Protein context (NP_002290.2, residues 1913-1927): KTQRSQQELS[Pro1923Gln]VSSF

ClinVar aggregate classification (germline): Benign/Likely benign. Review status: criteria provided, multiple submitters, no conflicts (2 of 4 stars). 3 submissions from 3 submitters: Benign (1); Likely benign (1). 1 of the submissions does not count toward it. Last evaluated 2026-01-26.

Conditions:
LCT-related disorder. Also called: LCT-related condition.

Allele frequency attached by ClinVar (database versions not stated): 1000 Genomes Project 0.01697; TOPMed 0.01757; ESP Exome Variant Server 0.01791; 1000 Genomes Project 30x 0.01796.
gnomAD v4.1: 4,584 of 1,612,928 alleles (0.28%); highest among the groups gnomAD compares: African/African-American, 5.4%; 105 homozygotes.

Submissions (3):

Labcorp Genetics (formerly Invitae), Labcorp
Classification: Benign. Last evaluated: 2026-01-26. Review status: criteria provided, single submitter. Criteria: Invitae Variant Classification Sherloc (09022015). Collection method: clinical testing. Allele origin: germline.

Breakthrough Genomics
Classification: Likely benign. Review status: criteria provided, single submitter. Criteria: ACMG Guidelines, 2015. Collection method: not provided. Allele origin: germline. Inheritance: Autosomal recessive inheritance. Affected: yes.

PreventionGenetics, part of Exact Sciences
Classification: Benign for LCT-related condition. Last evaluated: 2019-05-08. Review status: no assertion criteria provided. Collection method: clinical testing. Allele origin: germline. Not counted in ClinVar's aggregate classification.
Comment: This variant is classified as benign based on ACMG/AMP sequence variant interpretation guidelines (Richards et al. 2015 PMID: 25741868, with internal and published modifications).